The following is an entry in ClinVar:

NM_006231.4(POLE):c.2660A>G (p.Lys887Arg)

Gene: POLE (DNA polymerase epsilon, catalytic subunit; minus strand). Cytogenetic location: 12q24.33.
Variant type: single nucleotide variant.
Coding change: c.2660A>G on transcript NM_006231.4 (MANE Select); coding-DNA position 2660, A replaced by G.
Protein change: p.Lys887Arg; replaces lysine 887 with arginine.
Molecular consequence: missense variant.
Genome position (GRCh38, 1-based): chr12:132,664,050, T>C on the plus strand (A>G on the coding strand, the complement: POLE is on the minus strand). VCF-style: chr12-132664050-T-C. GRCh37 (hg19) VCF-style: chr12-133240636-T-C.
Other names: c.2660A>G (NM_006231.2); short protein forms K887R.
Identifiers: ClinVar variation 656090 (VCV000656090.14), dbSNP rs1434657574, ClinGen allele CA387395335.

ClinVar aggregate classification (germline): Uncertain significance. Review status: criteria provided, multiple submitters, no conflicts (2 of 4 stars). 3 submissions from 3 submitters: Uncertain significance (3). Last evaluated 2026-03-21.

Conditions:
Hereditary cancer-predisposing syndrome. Also called: Hereditary Cancer Syndrome; Hereditary neoplastic syndrome; Tumor predisposition; Neoplastic Syndromes, Hereditary. Identifiers: Orphanet 140162, MedGen C0027672, MeSH D009386, MONDO:0015356.

Allele frequency attached by ClinVar (database versions not stated): TOPMed 0.00001.
gnomAD v4.1: 1 of 1,614,202 alleles (0.000062%); highest among the groups gnomAD compares: East Asian, 0.0022%; no homozygotes.

Submissions (3):

Women's Health and Genetics/Laboratory Corporation of America, LabCorp
Classification: Uncertain significance. Last evaluated: 2026-03-21. Review status: criteria provided, single submitter. Criteria: LabCorp Variant Classification Summary - May 2015. Collection method: clinical testing. Allele origin: germline.

Ambry Genetics
Classification: Uncertain significance for Hereditary cancer-predisposing syndrome. Last evaluated: 2025-10-08. Review status: criteria provided, single submitter. Criteria: Ambry Variant Classification Scheme 2023. Collection method: clinical testing. Allele origin: germline.
Comment: The p.K887R variant (also known as c.2660A>G), located in coding exon 23 of the POLE gene, results from an A to G substitution at nucleotide position 2660. The lysine at codon 887 is replaced by arginine, an amino acid with highly similar properties. This amino acid position is conserved. In addition, this alteration is predicted to be tolerated by in silico analysis. Since supporting evidence is limited at this time, the clinical significance of this alteration remains unclear.

Labcorp Genetics (formerly Invitae), Labcorp
Classification: Uncertain significance. Last evaluated: 2024-04-05. Review status: criteria provided, single submitter. Criteria: Invitae Variant Classification Sherloc (09022015). Collection method: clinical testing. Allele origin: germline.
Comment: This sequence change replaces lysine, which is basic and polar, with arginine, which is basic and polar, at codon 887 of the POLE protein (p.Lys887Arg). This variant is not present in population databases (gnomAD no frequency). This variant has not been reported in the literature in individuals affected with POLE-related conditions. ClinVar contains an entry for this variant (Variation ID: 656090). Advanced modeling of protein sequence and biophysical properties (such as structural, functional, and spatial information, amino acid conservation, physicochemical variation, residue mobility, and thermodynamic stability) performed at Invitae indicates that this missense variant is not expected to disrupt POLE protein function with a negative predictive value of 80%. In summary, the available evidence is currently insufficient to determine the role of this variant in disease. Therefore, it has been classified as a Variant of Uncertain Significance.